The following is an entry in ClinVar:

NM_080424.4(SP110):c.376G>A (p.Gly126Ser)

Genes: SP140 (SP140 nuclear body protein; plus strand), SP110 (SP110 nuclear body protein; minus strand). Cytogenetic location: 2q37.1.
Variant type: single nucleotide variant.
Coding change: c.376G>A on transcript NM_080424.4 (MANE Select); coding-DNA position 376, G replaced by A.
Protein change: p.Gly126Ser; replaces glycine 126 with serine.
Molecular consequence: missense variant.
Genome position (GRCh38, 1-based): chr2:230,212,968, C>T on the plus strand (G>A on the coding strand, the complement: SP110 is on the minus strand). VCF-style: chr2-230212968-C-T. GRCh37 (hg19) VCF-style: chr2-231077683-C-T.
Other names: c.394G>A, p.Gly132Ser (NM_001185015.2, NM_001378442.1, NM_001378444.1 and 2 more transcripts); c.376G>A, p.Gly126Ser (NM_001378443.1, NM_001378447.1, NM_004509.5 and 1 more transcripts); short protein forms G126S, G132S.
Identifiers: ClinVar variation 334918 (VCV000334918.15), dbSNP rs41309088, ClinGen allele CA2154844.

ClinVar aggregate classification (germline): Benign. Review status: criteria provided, multiple submitters, no conflicts (2 of 4 stars). 3 submissions from 3 submitters: Benign (3). Last evaluated 2026-02-04.

Conditions:
Hepatic veno-occlusive disease-immunodeficiency syndrome. Also called: Hepatic Veno-Occlusive Disease with Immunodeficiency. Identifiers: Orphanet 79124, MedGen C1856128, MONDO:0009338, OMIM 235550. Disease mechanism: loss of function.

Allele frequency attached by ClinVar (database versions not stated): 1000 Genomes Project 30x 0.00765; 1000 Genomes Project 0.00799; TOPMed 0.00975; ESP Exome Variant Server 0.01199; gnomAD 0.01441 and 0.01459; gnomAD exomes 0.01537 and 0.01633; ExAC 0.01544.
gnomAD v4.1: 24,606 of 1,613,966 alleles (1.5%); highest among the groups gnomAD compares: Non-Finnish European, 1.5%; 315 homozygotes.

Submissions (3):

Labcorp Genetics (formerly Invitae), Labcorp
Classification: Benign for Hepatic veno-occlusive disease-immunodeficiency syndrome. Last evaluated: 2026-02-04. Review status: criteria provided, single submitter. Criteria: Invitae Variant Classification Sherloc (09022015). Collection method: clinical testing. Allele origin: germline.

Illumina Laboratory Services, Illumina
Classification: Benign for Hepatic veno-occlusive disease-immunodeficiency syndrome. Last evaluated: 2018-01-12. Review status: criteria provided, single submitter. Criteria: ICSL Variant Classification Criteria 13 December 2019. Collection method: clinical testing. Allele origin: germline.
Comment: This variant was observed in the ICSL laboratory as part of a predisposition screen in an ostensibly healthy population. It had not been previously curated by ICSL or reported in the Human Gene Mutation Database (HGMD: prior to June 1st, 2018), and was therefore a candidate for classification through an automated scoring system. Utilizing variant allele frequency, disease prevalence and penetrance estimates, and inheritance mode, an automated score was calculated to assess if this variant is too frequent to cause the disease. Based on the score and internal cut-off values, a variant classified as benign is not then subjected to further curation. The score for this variant resulted in a classification of benign for this disease.

Breakthrough Genomics
Classification: Benign. Review status: criteria provided, single submitter. Criteria: ACMG Guidelines, 2015. Collection method: not provided. Allele origin: germline. Inheritance: Autosomal recessive inheritance. Affected: yes.